The following is an entry in ClinVar:

NM_001382273.1(TNK2):c.949G>A (p.Gly317Arg)

Gene: TNK2 (tyrosine kinase non receptor 2; minus strand). Cytogenetic location: 3q29.
Variant type: single nucleotide variant.
Coding change: c.949G>A on transcript NM_001382273.1 (MANE Select); coding-DNA position 949, G replaced by A.
Protein change: p.Gly317Arg; replaces glycine 317 with arginine.
Molecular consequence: missense variant. On other transcripts: non-coding transcript variant (15).
Genome position (GRCh38, 1-based): chr3:195,879,114, C>T on the plus strand (G>A on the coding strand, the complement: TNK2 is on the minus strand). VCF-style: chr3-195879114-C-T. GRCh37 (hg19) VCF-style: chr3-195605985-C-T.
Other names: c.1138G>A (NM_001010938.1); c.1021G>A, p.Gly341Arg (NM_001010938.2, NM_001382272.1, NM_001387708.1 and 1 more transcripts); c.1045G>A, p.Gly349Arg (NM_001308046.2, NM_001382271.1, NM_001382275.1 and 1 more transcripts); c.949G>A, p.Gly317Arg (NM_001382274.1, NM_001386164.1, NM_001387709.1 and 12 more transcripts); short protein forms G341R, G349R, G317R.
Identifiers: ClinVar variation 1495424 (VCV001495424.9), dbSNP rs752703999, ClinGen allele CA2776655.

ClinVar aggregate classification (germline): Uncertain significance. Review status: criteria provided, multiple submitters, no conflicts (2 of 4 stars). 3 submissions from 3 submitters: Uncertain significance (3). Last evaluated 2025-06-24.

Conditions:
TNK2-associated Epilepsy syndrome.

Allele frequency attached by ClinVar (database versions not stated): gnomAD exomes 0.00001 and 0.00005; ExAC 0.00003; gnomAD 0.00004; TOPMed 0.00007.
gnomAD v4.1: 24 of 1,613,690 alleles (0.0015%); highest among the groups gnomAD compares: Admixed American, 0.0067%; no homozygotes.

Submissions (3):

Ambry Genetics
Classification: Uncertain significance. Last evaluated: 2025-06-24. Review status: criteria provided, single submitter. Criteria: Ambry Variant Classification Scheme 2023. Collection method: clinical testing. Allele origin: germline.

Labcorp Genetics (formerly Invitae), Labcorp
Classification: Uncertain significance. Last evaluated: 2021-11-03. Review status: criteria provided, single submitter. Criteria: Invitae Variant Classification Sherloc (09022015). Collection method: clinical testing. Allele origin: germline.
Comment: In summary, the available evidence is currently insufficient to determine the role of this variant in disease. Therefore, it has been classified as a Variant of Uncertain Significance. Algorithms developed to predict the effect of sequence changes on RNA splicing suggest that this variant may create or strengthen a splice site. Algorithms developed to predict the effect of missense changes on protein structure and function (SIFT, PolyPhen-2, Align-GVGD) all suggest that this variant is likely to be disruptive. This variant has not been reported in the literature in individuals affected with TNK2-related conditions. This variant is present in population databases (rs752703999, gnomAD 0.09%), and has an allele count higher than expected for a pathogenic variant. This sequence change replaces glycine, which is neutral and non-polar, with arginine, which is basic and polar, at codon 380 of the TNK2 protein (p.Gly380Arg).

New York Genome Center
Classification: Uncertain significance for TNK2-associated Epilepsy syndrome. Last evaluated: 2021-08-27. Review status: criteria provided, single submitter. Criteria: NYGC Assertion Criteria 2020. Collection method: clinical testing. Allele origin: germline. Observed: 1 heterozygote. Study: CSER-NYCKidSeq.